The following is an entry in ClinVar:

ClinVar aggregate classification (germline): Uncertain significance (1 of 4 stars; one submission).

Submission:

GeneDx
Classification: Uncertain significance. Last evaluated: 2019-11-20. Review status: criteria provided, single submitter. Criteria: GeneDx Variant Classification Process June 2021. Collection method: clinical testing. Allele origin: germline. Affected: yes.
Comment: Not observed in large population cohorts (Lek et al., 2016); In-frame deletion of 2 amino acids and insertion of 1 amino acid in a non-repeat region; In silico analysis, which includes protein predictors and evolutionary conservation, supports a deleterious effect

NM_001042681.2(RERE):c.1799_1802delinsG (p.Ser600_Pro601delinsCys)

Gene: RERE (arginine-glutamic acid dipeptide repeats; minus strand). Cytogenetic location: 1p36.23.
Variant type: Indel.
Coding change: c.1799_1802delinsG on transcript NM_001042681.2 (MANE Select); coding-DNA positions 1799 to 1802, CACC replaced by G.
Protein change: p.Ser600_Pro601delinsCys.
Molecular consequence: inframe indel.
Genome position (GRCh38, 1-based): chr1:8,362,783-8,362,786, GGTG replaced by C on the plus strand (CACC replaced by G on the coding strand, the reverse complement: RERE is on the minus strand). VCF-style: chr1-8362783-GGTG-C. GRCh37 (hg19) VCF-style: chr1-8422843-GGTG-C.
Other names: c.137_140delinsG, p.Ser46_Pro47delinsCys (NM_001042682.2); c.1799_1802delinsG, p.Ser600_Pro601delinsCys (NM_012102.4).
Identifiers: ClinVar variation 1219017 (VCV001219017.3), dbSNP rs764511684, ClinGen allele CA2499214866.